The following is an entry in ClinVar:

ClinVar aggregate classification (germline): Uncertain significance (1 of 4 stars; one submission).

Submission:

Greenwood Genetic Center Diagnostic Laboratories, Greenwood Genetic Center
Classification: Uncertain significance. Last evaluated: 2025-06-05. Review status: criteria provided, single submitter. Criteria: ACMG Guidelines, 2015. Collection method: clinical testing. Allele origin: germline. Affected: yes.
Comment: PM2, BP4

NM_001386298.1(CIC):c.2795-1926G>A

Gene: CIC (capicua transcriptional repressor; plus strand). Cytogenetic location: 19q13.2.
Variant type: single nucleotide variant.
Coding change: c.2795-1926G>A on transcript NM_001386298.1 (MANE Select); 1926 bases into the intron before coding-DNA position 2795, G replaced by A.
Molecular consequence: intron variant.
Genome position (GRCh38, 1-based): chr19:42,284,845, G>A. VCF-style: chr19-42284845-G-A. GRCh37 (hg19) VCF-style: chr19-42788997-G-A.
Other names: c.2795-1926G>A (NM_001304815.2, NM_001439186.1, NM_001439183.1 and 6 more transcripts); c.67+74G>A (NM_015125.5, NM_001379484.1, NM_001439190.1 and 3 more transcripts).
Identifiers: ClinVar variation 4538285 (VCV004538285.1).